The following is an entry in ClinVar:

NM_005120.3(MED12):c.34C>T (p.Arg12Trp)

Gene: MED12 (mediator complex subunit 12; plus strand). Cytogenetic location: Xq13.1.
Variant type: single nucleotide variant.
Coding change: c.34C>T on transcript NM_005120.3 (MANE Select); coding-DNA position 34, C replaced by T.
Protein change: p.Arg12Trp; replaces arginine 12 with tryptophan.
Molecular consequence: missense variant.
Genome position (GRCh38, 1-based): chrX:71,118,788, C>T. VCF-style: chrX-71118788-C-T. GRCh37 (hg19) VCF-style: chrX-70338638-C-T.
Other names: short protein forms R12W.
Identifiers: ClinVar variation 2443460 (VCV002443460.4), dbSNP rs2147766631, ClinGen allele CA413498309.

ClinVar aggregate classification (germline): Uncertain significance (1 of 4 stars; one submission).

Allele frequency attached by ClinVar (database versions not stated): gnomAD exomes below 0.00001.
gnomAD v4.1: 1 of 1,209,591 alleles (0.000083%); highest among the groups gnomAD compares: Non-Finnish European, 0.00011%; no homozygotes.

Submission:

GeneDx
Classification: Uncertain significance. Last evaluated: 2025-10-01. Review status: criteria provided, single submitter. Criteria: GeneDx Variant Classification Process June 2021. Collection method: clinical testing. Allele origin: germline. Affected: yes.
Comment: Not observed at significant frequency in large population cohorts (gnomAD); In silico analysis supports that this missense variant has a deleterious effect on protein structure/function; Has not been previously published as pathogenic or benign to our knowledge